The following is an entry in ClinVar:

NM_005045.4(RELN):c.2403T>C (p.Tyr801=)

Gene: RELN (reelin; minus strand). Cytogenetic location: 7q22.1.
Variant type: single nucleotide variant.
Coding change: c.2403T>C on transcript NM_005045.4 (MANE Select); coding-DNA position 2403, T replaced by C.
Protein change: p.Tyr801=; no amino-acid change (tyrosine 801 retained).
Molecular consequence: synonymous variant.
Genome position (GRCh38, 1-based): chr7:103,635,487, A>G on the plus strand (T>C on the coding strand, the complement: RELN is on the minus strand). VCF-style: chr7-103635487-A-G. GRCh37 (hg19) VCF-style: chr7-103275934-A-G.
Other names: c.2403T>C, p.Tyr801= (NM_173054.3).
Identifiers: ClinVar variation 759137 (VCV000759137.10), dbSNP rs1039314161, ClinGen allele CA163925559.

ClinVar aggregate classification (germline): Likely benign. Review status: criteria provided, multiple submitters, no conflicts (2 of 4 stars). 2 submissions from 2 submitters: Likely benign (2). Last evaluated 2025-10-06.

Conditions:
Norman-Roberts syndrome (LIS2). Also called: Lissencephaly 2 (Norman-Roberts type). Identifiers: Orphanet 89844, MedGen C0796089, MONDO:0009760, OMIM 257320.
Familial temporal lobe epilepsy 7. Identifiers: Orphanet 101046, MedGen C4225327, MONDO:0014639, OMIM 616436.
RELN-related disorder. Also called: RELN-related condition.

Allele frequency attached by ClinVar (database versions not stated): gnomAD 0.00002; TOPMed 0.00004.
gnomAD v4.1: 5 of 1,613,800 alleles (0.00031%); highest among the groups gnomAD compares: Admixed American, 0.0067%; no homozygotes.

Submissions (2):

PreventionGenetics, part of Exact Sciences
Classification: Likely benign for RELN-related condition. Last evaluated: 2025-10-06. Review status: criteria provided, single submitter. Criteria: ACMG Guidelines, 2015. Collection method: clinical testing. Allele origin: germline.
Comment: This variant is classified as likely benign based on ACMG/AMP sequence variant interpretation guidelines (Richards et al. 2015 PMID: 25741868, with internal and published modifications).

Labcorp Genetics (formerly Invitae), Labcorp
Classification: Likely benign for Familial temporal lobe epilepsy 7; Norman-Roberts syndrome. Last evaluated: 2025-05-05. Review status: criteria provided, single submitter. Criteria: Invitae Variant Classification Sherloc (09022015). Collection method: clinical testing. Allele origin: germline.